The following is an entry in ClinVar:

ClinVar aggregate classification (germline): Conflicting classifications of pathogenicity. Review status: criteria provided, conflicting classifications (1 of 4 stars). 2 submissions from 2 submitters: Uncertain significance (1); Likely benign (1). Last evaluated 2025-04-25.

Conditions:
Hereditary cancer-predisposing syndrome. Also called: Neoplastic Syndromes, Hereditary; Hereditary Cancer Syndrome; Hereditary neoplastic syndrome; Tumor predisposition. Identifiers: Orphanet 140162, MedGen C0027672, MeSH D009386, MONDO:0015356.
Familial meningioma. Also called: Meningioma, familial, susceptibility to. Identifiers: Orphanet 263662, MedGen C3551915, MONDO:0011789, OMIM 607174.

Submissions (2):

Ambry Genetics
Classification: Likely benign for Hereditary cancer-predisposing syndrome. Last evaluated: 2025-04-25. Review status: criteria provided, single submitter. Criteria: Ambry Variant Classification Scheme 2023. Collection method: clinical testing. Allele origin: germline.

Labcorp Genetics (formerly Invitae), Labcorp
Classification: Uncertain significance for Familial meningioma. Last evaluated: 2023-10-06. Review status: criteria provided, single submitter. Criteria: Invitae Variant Classification Sherloc (09022015). Collection method: clinical testing. Allele origin: germline.
Comment: This sequence change replaces isoleucine, which is neutral and non-polar, with valine, which is neutral and non-polar, at codon 285 of the SMARCE1 protein (p.Ile285Val). This variant is not present in population databases (gnomAD no frequency). This variant has not been reported in the literature in individuals affected with SMARCE1-related conditions. ClinVar contains an entry for this variant (Variation ID: 1439544). Advanced modeling of protein sequence and biophysical properties (such as structural, functional, and spatial information, amino acid conservation, physicochemical variation, residue mobility, and thermodynamic stability) performed at Invitae indicates that this missense variant is not expected to disrupt SMARCE1 protein function. In summary, the available evidence is currently insufficient to determine the role of this variant in disease. Therefore, it has been classified as a Variant of Uncertain Significance.

NM_003079.5(SMARCE1):c.853A>G (p.Ile285Val)

Gene: SMARCE1 (SWI/SNF related BAF chromatin remodeling complex subunit E1; minus strand). Cytogenetic location: 17q21.2.
Variant type: single nucleotide variant.
Coding change: c.853A>G on transcript NM_003079.5 (MANE Select); coding-DNA position 853, A replaced by G.
Protein change: p.Ile285Val; replaces isoleucine 285 with valine.
Molecular consequence: missense variant.
Genome position (GRCh38, 1-based): chr17:40,630,888, T>C on the plus strand (A>G on the coding strand, the complement: SMARCE1 is on the minus strand). VCF-style: chr17-40630888-T-C. GRCh37 (hg19) VCF-style: chr17-38787140-T-C.
Other names: short protein forms I285V.
Identifiers: ClinVar variation 1439544 (VCV001439544.11), dbSNP rs2143985147, ClinGen allele CA399363865.